The following is an entry in ClinVar:

NM_002206.3(ITGA7):c.3158C>T (p.Ala1053Val)

Gene: ITGA7 (integrin subunit alpha 7; minus strand). Cytogenetic location: 12q13.2.
Variant type: single nucleotide variant.
Coding change: c.3158C>T on transcript NM_002206.3 (MANE Select); coding-DNA position 3158, C replaced by T.
Protein change: p.Ala1053Val; replaces alanine 1053 with valine.
Molecular consequence: missense variant.
Genome position (GRCh38, 1-based): chr12:55,687,996, G>A on the plus strand (C>T on the coding strand, the complement: ITGA7 is on the minus strand). VCF-style: chr12-55687996-G-A. GRCh37 (hg19) VCF-style: chr12-56081780-G-A.
Other names: c.3170C>T, p.Ala1057Val (NM_001144996.2); c.2879C>T, p.Ala960Val (NM_001144997.2); c.2831C>T, p.Ala944Val (NM_001367993.1); c.1814C>T, p.Ala605Val (NM_001367994.1); c.3140C>T, p.Ala1047Val (NM_001374465.1); c.3290C>T, p.Ala1097Val (NM_001410977.1); c.3152C>T, p.Ala1051Val (NM_001414029.1); c.3083C>T, p.Ala1028Val (NM_001414030.1); and 5 more; short protein forms A1047V, A960V, A1053V, A605V, A944V, A1057V, A1097V, A1051V.
Identifiers: ClinVar variation 960133 (VCV000960133.9), dbSNP rs1239418668, ClinGen allele CA385180489.

ClinVar aggregate classification (germline): Uncertain significance (1 of 4 stars; one submission).

Conditions:
Congenital muscular dystrophy due to integrin alpha-7 deficiency. Also called: Congenital muscular dystrophy with integrin alpha-7 deficiency; Muscular dystrophy, congenital, due to ITGA7 deficiency; MYOPATHY, CONGENITAL, DUE TO INTEGRIN ALPHA-7 DEFICIENCY. Identifiers: Orphanet 34520, MedGen C2750786, MONDO:0013177, OMIM 613204.

Allele frequency attached by ClinVar (database versions not stated): TOPMed below 0.00001.

Submission:

Labcorp Genetics (formerly Invitae), Labcorp
Classification: Uncertain significance for Congenital muscular dystrophy due to integrin alpha-7 deficiency. Last evaluated: 2022-07-05. Review status: criteria provided, single submitter. Criteria: Invitae Variant Classification Sherloc (09022015). Collection method: clinical testing. Allele origin: germline.
Comment: Algorithms developed to predict the effect of missense changes on protein structure and function are either unavailable or do not agree on the potential impact of this missense change (SIFT: "Deleterious"; PolyPhen-2: "Possibly Damaging"; Align-GVGD: "Class C0"). In summary, the available evidence is currently insufficient to determine the role of this variant in disease. Therefore, it has been classified as a Variant of Uncertain Significance. ClinVar contains an entry for this variant (Variation ID: 960133). This sequence change replaces alanine, which is neutral and non-polar, with valine, which is neutral and non-polar, at codon 1053 of the ITGA7 protein (p.Ala1053Val). This variant is not present in population databases (gnomAD no frequency). This variant has not been reported in the literature in individuals affected with ITGA7-related conditions.